The following is an entry in ClinVar:

ClinVar aggregate classification (germline): Uncertain significance (1 of 4 stars; one submission).

Conditions:
Progressive familial heart block type IB (PFHB1B). Identifiers: Orphanet 871, MedGen C1970298, MONDO:0011474, OMIM 604559.

Allele frequency attached by ClinVar (database versions not stated): gnomAD exomes 0.00001.
gnomAD v4.1: 3 of 1,613,934 alleles (0.00019%); highest among the groups gnomAD compares: Admixed American, 0.0017%; no homozygotes.

Submission:

Labcorp Genetics (formerly Invitae), Labcorp
Classification: Uncertain significance for Progressive familial heart block type IB. Last evaluated: 2021-12-13. Review status: criteria provided, single submitter. Criteria: Invitae Variant Classification Sherloc (09022015). Collection method: clinical testing. Allele origin: germline.
Comment: In summary, the available evidence is currently insufficient to determine the role of this variant in disease. Therefore, it has been classified as a Variant of Uncertain Significance. Algorithms developed to predict the effect of missense changes on protein structure and function are either unavailable or do not agree on the potential impact of this missense change (SIFT: "Deleterious"; PolyPhen-2: "Probably Damaging"; Align-GVGD: "Class C0"). This variant has not been reported in the literature in individuals affected with TRPM4-related conditions. This variant is present in population databases (no rsID available, gnomAD 0.005%). This sequence change replaces tyrosine, which is neutral and polar, with cysteine, which is neutral and slightly polar, at codon 944 of the TRPM4 protein (p.Tyr944Cys).

NM_017636.4(TRPM4):c.2831A>G (p.Tyr944Cys)

Gene: TRPM4 (transient receptor potential cation channel subfamily M member 4; plus strand). Cytogenetic location: 19q13.33.
Variant type: single nucleotide variant.
Coding change: c.2831A>G on transcript NM_017636.4 (MANE Select); coding-DNA position 2831, A replaced by G.
Protein change: p.Tyr944Cys; replaces tyrosine 944 with cysteine.
Molecular consequence: missense variant.
Genome position (GRCh38, 1-based): chr19:49,200,663, A>G. VCF-style: chr19-49200663-A-G. GRCh37 (hg19) VCF-style: chr19-49703920-A-G.
Other names: c.2396A>G, p.Tyr799Cys (NM_001195227.2); c.2486A>G, p.Tyr829Cys (NM_001321281.2); c.1223A>G, p.Tyr408Cys (NM_001321282.2); c.2309A>G, p.Tyr770Cys (NM_001321283.2); c.1769A>G, p.Tyr590Cys (NM_001321285.2); short protein forms Y944C, Y799C, Y408C, Y770C, Y829C, Y590C.
Identifiers: ClinVar variation 1355735 (VCV001355735.6), dbSNP rs1286276337, ClinGen allele CA406811790.